The following is an entry in ClinVar:

ClinVar aggregate classification (germline): Uncertain significance (1 of 4 stars; one submission).

Conditions:
Tuberous sclerosis 2 (TSC2). Identifiers: Orphanet 805, MedGen C1860707, MONDO:0013199, OMIM 613254.

Submission:

Labcorp Genetics (formerly Invitae), Labcorp
Classification: Uncertain significance for Tuberous sclerosis 2. Last evaluated: 2022-08-23. Review status: criteria provided, single submitter. Criteria: Invitae Variant Classification Sherloc (09022015). Collection method: clinical testing. Allele origin: germline.
Comment: In summary, the available evidence is currently insufficient to determine the role of this variant in disease. Therefore, it has been classified as a Variant of Uncertain Significance. Algorithms developed to predict the effect of sequence changes on RNA splicing suggest that this variant may create or strengthen a splice site. Advanced modeling of protein sequence and biophysical properties (such as structural, functional, and spatial information, amino acid conservation, physicochemical variation, residue mobility, and thermodynamic stability) performed at Invitae indicates that this missense variant is not expected to disrupt TSC2 protein function. ClinVar contains an entry for this variant (Variation ID: 943349). This variant has not been reported in the literature in individuals affected with TSC2-related conditions. This variant is not present in population databases (gnomAD no frequency). This sequence change replaces glycine, which is neutral and non-polar, with valine, which is neutral and non-polar, at codon 1074 of the TSC2 protein (p.Gly1074Val).

NM_000548.5(TSC2):c.3221G>T (p.Gly1074Val)

Gene: TSC2 (TSC complex subunit 2; plus strand). Cytogenetic location: 16p13.3.
Variant type: single nucleotide variant.
Coding change: c.3221G>T on transcript NM_000548.5 (MANE Select); coding-DNA position 3221, G replaced by T.
Protein change: p.Gly1074Val; replaces glycine 1074 with valine.
Molecular consequence: missense variant.
Genome position (GRCh38, 1-based): chr16:2,079,365, G>T. VCF-style: chr16-2079365-G-T. GRCh37 (hg19) VCF-style: chr16-2129366-G-T.
Other names: c.3092G>T, p.Gly1031Val (NM_001363528.2, NM_001370405.1, NM_021055.3); c.3089G>T, p.Gly1030Val (NM_001370404.1, NM_001077183.3); c.2945G>T, p.Gly982Val (NM_001318829.2); c.2489G>T, p.Gly830Val (NM_001318831.2); c.3122G>T, p.Gly1041Val (NM_001318832.2); c.3221G>T, p.Gly1074Val (NM_001114382.3); c.2981G>T, p.Gly994Val (NM_001318827.2); short protein forms G1031V, G830V, G982V, G1041V, G1074V, G1030V, G994V.
Identifiers: ClinVar variation 943349 (VCV000943349.9), dbSNP rs2089833187, ClinGen allele CA394285959.
Genomic context (GRCh38, chr16:2,079,365, plus strand): 5'-GTGGCAGGACCAAAACCTGGCTGGTTGGGAACAAGCTTGTCACTGTGACGACAAGCGTGG[G>T]AACCGGGACCCGGTCGTTACTAGGCCTGGACTCGGGGGAGCTGCAGTCCGGCCCGGAGTC-3'
Protein context (NP_000539.2, residues 1064-1084): NKLVTVTTSV[Gly1074Val]TGTRSLLGLD